The following is an entry in ClinVar:

ClinVar aggregate classification (germline): Uncertain significance. Review status: criteria provided, multiple submitters, no conflicts (2 of 4 stars). 2 submissions from 2 submitters: Uncertain significance (2). Last evaluated 2025-01-19.

Conditions:
Melanoma, cutaneous malignant, susceptibility to, 1 (CMM1). Also called: MELANOMA, MALIGNANT; DYSPLASTIC NEVUS SYNDROME, HEREDITARY; FAMILIAL ATYPICAL MOLE-MALIGNANT MELANOMA SYNDROME; B-K MOLE SYNDROME. Identifiers: Orphanet 618, MedGen C1835047, MONDO:0007963, OMIM 155600.
LEOPARD syndrome 3 (LPRD3). Identifiers: Orphanet 500, MedGen C3150971, MONDO:0013380, OMIM 613707.
Noonan syndrome 7 (NS7). Also called: BRAF-Related Noonan Syndrome. Identifiers: Orphanet 648, MedGen C3150970, MONDO:0013379, OMIM 613706.
Colorectal cancer. Also called: Colorectal cancer, somatic; Malignant Colorectal Neoplasm. Identifiers: MedGen C0346629, MONDO:0005575, OMIM 114500.
Cardiofaciocutaneous syndrome 1 (CFC1). Also called: BRAF-Related Cardiofaciocutaneous Syndrome; MAP2K1-Related Cardiofaciocutaneous Syndrome; KRAS-Related Cardiofaciocutaneous Syndrome; MAP2K2-Related Cardiofaciocutaneous Syndrome. Identifiers: Orphanet 1340, MedGen CN029449, MONDO:0007265, OMIM 115150. Disease mechanism: gain of function.
Lung cancer. Also called: Lung cancer, somatic; Malignant tumor of lung. Identifiers: MedGen C0242379, MONDO:0008903, OMIM 211980.
Cardiovascular phenotype. Identifiers: MedGen CN230736.

gnomAD v4.1: 4 of 1,613,386 alleles (0.00025%); highest among the groups gnomAD compares: Non-Finnish European, 0.00034%; no homozygotes.

Submissions (2):

Ambry Genetics
Classification: Uncertain significance for Cardiovascular phenotype. Last evaluated: 2025-01-19. Review status: criteria provided, single submitter. Criteria: Ambry Variant Classification Scheme 2023. Collection method: clinical testing. Allele origin: germline.
Comment: The p.I543V variant (also known as c.1627A>G), located in coding exon 13 of the BRAF gene, results from an A to G substitution at nucleotide position 1627. The isoleucine at codon 543 is replaced by valine, an amino acid with highly similar properties. This amino acid position is conserved. In addition, the in silico prediction for this alteration is inconclusive. Based on the available evidence, the clinical significance of this variant remains unclear.

Fulgent Genetics
Classification: Uncertain significance for Colorectal cancer; Cardiofaciocutaneous syndrome 1; Melanoma, cutaneous malignant, susceptibility to, 1; Lung cancer; Noonan syndrome 7; LEOPARD syndrome 3. Last evaluated: 2024-01-20. Review status: criteria provided, single submitter. Criteria: ACMG Guidelines, 2015. Collection method: clinical testing. Allele origin: germline.

NM_004333.6(BRAF):c.1627A>G (p.Ile543Val)

Gene: BRAF (B-Raf proto-oncogene, serine/threonine kinase; minus strand). Cytogenetic location: 7q34.
Variant type: single nucleotide variant.
Coding change: c.1627A>G on transcript NM_004333.6 (MANE Select); coding-DNA position 1627, A replaced by G.
Protein change: p.Ile543Val; replaces isoleucine 543 with valine.
Molecular consequence: missense variant.
Genome position (GRCh38, 1-based): chr7:140,776,979, T>C on the plus strand (A>G on the coding strand, the complement: BRAF is on the minus strand). VCF-style: chr7-140776979-T-C. GRCh37 (hg19) VCF-style: chr7-140476779-T-C.
Other names: c.1627A>G, p.Ile543Val (NM_001354609.2, NM_001378468.1, NM_001378474.1); c.1747A>G, p.Ile583Val (NM_001374244.1, NM_001374258.1); c.1636A>G, p.Ile546Val (NM_001378467.1); c.1561A>G, p.Ile521Val (NM_001378469.1); c.1525A>G, p.Ile509Val (NM_001378470.1); c.1516A>G, p.Ile506Val (NM_001378471.1); c.1471A>G, p.Ile491Val (NM_001378472.1, NM_001378473.1); c.1363A>G, p.Ile455Val (NM_001378475.1); short protein forms I491V, I521V, I546V, I455V, I583V, I506V, I509V, I543V.
Identifiers: ClinVar variation 3594396 (VCV003594396.2).